The following is an entry in ClinVar:

NM_001035235.4(SRA1):c.413G>A (p.Gly138Glu)

Gene: SRA1 (steroid receptor RNA activator 1; minus strand). Cytogenetic location: 5q31.3.
Variant type: single nucleotide variant.
Coding change: c.413G>A on transcript NM_001035235.4 (MANE Select); coding-DNA position 413, G replaced by A.
Protein change: p.Gly138Glu; replaces glycine 138 with glutamic acid.
Molecular consequence: missense variant. On other transcripts: non-coding transcript variant (2).
Genome position (GRCh38, 1-based): chr5:140,551,111, C>T on the plus strand (G>A on the coding strand, the complement: SRA1 is on the minus strand). VCF-style: chr5-140551111-C-T. GRCh37 (hg19) VCF-style: chr5-139930696-C-T.
Other names: c.365G>A, p.Gly122Glu (NM_001253764.2); c.449G>A (NM_001035235.3); short protein forms G122E, G138E.
Identifiers: ClinVar variation 1591816 (VCV001591816.11), dbSNP rs149499620, ClinGen allele CA3440539.
Genomic context (GRCh38, chr5:140,551,111, plus strand): 5'-CCACCCATACCTTGCACCAGTAGAGCCATTCTCTTCTTTACAGGTATTGACAACTTTCCT[C>T]CAGCCCACTGTTCCTGCAGCAGTGCCAGGCGTCGGCTGATGTCATCACATACCTGCTTCT-3'
Protein context (NP_001030312.3, residues 128-148): RLALLQEQWA[Gly138Glu]GKLSIPVKKR

ClinVar aggregate classification (germline): Likely benign. Review status: criteria provided, multiple submitters, no conflicts (2 of 4 stars). 3 submissions from 3 submitters: Likely benign (2). 1 of the submissions does not count toward it. Last evaluated 2026-01-15.

Conditions:
SRA1-related disorder. Also called: SRA1-related condition.

Allele frequency attached by ClinVar (database versions not stated): 1000 Genomes Project 0.00120; 1000 Genomes Project 30x 0.00125; TOPMed 0.00200; gnomAD exomes 0.00210 and 0.00326; ExAC 0.00229; gnomAD 0.00235 and 0.00236; ESP Exome Variant Server 0.00254.
gnomAD v4.1: 5,083 of 1,614,194 alleles (0.31%); highest among the groups gnomAD compares: Non-Finnish European, 0.38%; 17 homozygotes.

Submissions (3):

Labcorp Genetics (formerly Invitae), Labcorp
Classification: Likely benign. Last evaluated: 2026-01-15. Review status: criteria provided, single submitter. Criteria: Invitae Variant Classification Sherloc (09022015). Collection method: clinical testing. Allele origin: germline.

Breakthrough Genomics
Classification: Likely benign. Review status: criteria provided, single submitter. Criteria: ACMG Guidelines, 2015. Collection method: not provided. Allele origin: germline. Inheritance: Unknown mechanism. Affected: yes.

PreventionGenetics, part of Exact Sciences
Classification: Likely benign for SRA1-related condition. Last evaluated: 2023-01-12. Review status: no assertion criteria provided. Collection method: clinical testing. Allele origin: germline. Not counted in ClinVar's aggregate classification.
Comment: This variant is classified as likely benign based on ACMG/AMP sequence variant interpretation guidelines (Richards et al. 2015 PMID: 25741868, with internal and published modifications).